The following is an entry in ClinVar:

ClinVar aggregate classification (germline): Uncertain significance (1 of 4 stars; one submission).

Conditions:
Cardiovascular phenotype. Identifiers: MedGen CN230736.

Allele frequency attached by ClinVar (database versions not stated): gnomAD exomes below 0.00001; gnomAD 0.00001; TOPMed 0.00001.
gnomAD v4.1: 4 of 1,613,924 alleles (0.00025%); highest among the groups gnomAD compares: African/African-American, 0.004%; no homozygotes.

Submission:

Ambry Genetics
Classification: Uncertain significance for Cardiovascular phenotype. Last evaluated: 2024-03-06. Review status: criteria provided, single submitter. Criteria: Ambry Variant Classification Scheme 2023. Collection method: clinical testing. Allele origin: germline.
Comment: The c.1081C>T variant (also known as p.L361L), located in coding exon 9 of the TRPM4 gene, results from a C to T substitution at nucleotide position 1081. This nucleotide substitution does not change the leucine at codon 361. This nucleotide position is well conserved in available vertebrate species. In silico splice site analysis for this alteration is inconclusive. Based on the available evidence, the clinical significance of this alteration remains unclear.

NM_017636.4(TRPM4):c.1081C>T (p.Leu361=)

Gene: TRPM4 (transient receptor potential cation channel subfamily M member 4; plus strand). Cytogenetic location: 19q13.33.
Variant type: single nucleotide variant.
Coding change: c.1081C>T on transcript NM_017636.4 (MANE Select); coding-DNA position 1081, C replaced by T.
Protein change: p.Leu361=; no amino-acid change (leucine 361 retained).
Molecular consequence: synonymous variant. On other transcripts: 5 prime UTR variant (1), intron variant (1).
Genome position (GRCh38, 1-based): chr19:49,172,039, C>T. VCF-style: chr19-49172039-C-T. GRCh37 (hg19) VCF-style: chr19-49675296-C-T.
Other names: c.1081C>T, p.Leu361= (NM_001195227.2); c.736C>T, p.Leu246= (NM_001321281.2); c.-473C>T (NM_001321282.2); c.559C>T, p.Leu187= (NM_001321283.2); c.201+270C>T (NM_001321285.2).
Identifiers: ClinVar variation 3226996 (VCV003226996.1), dbSNP rs1296787987, ClinGen allele CA508101110.
Genomic context (GRCh38, chr19:49,172,039, plus strand): 5'-GCTAGGGATGCAGAACTGGCTATTCCACAGGTGGAGAGGATTATGACCCGGAAGGAGCTC[C>T]TGACAGTCTATTCTTCTGAGGATGGGTCTGAGGAATTCGAGACCATAGTTTTGAAGGCCC-3'
Protein context (NP_060106.2, residues 351-371): VERIMTRKEL[Leu361=]TVYSSEDGSE